The following is an entry in ClinVar:

ClinVar aggregate classification (germline): Uncertain significance. Review status: criteria provided, multiple submitters, no conflicts (2 of 4 stars). 3 submissions from 3 submitters: Uncertain significance (3). Last evaluated 2025-10-11.

Conditions:
Familial thoracic aortic aneurysm and aortic dissection (TAAD). Also called: Thoracic aortic aneurysms and dissections. Identifiers: Orphanet 91387, MedGen C4707243, MONDO:0019625.
Aortic aneurysm, familial thoracic 8 (AAT8). Identifiers: MedGen C3809513, MONDO:0014187, OMIM 615436.

Allele frequency attached by ClinVar (database versions not stated): gnomAD 0.00001 and 0.00002; gnomAD exomes 0.00001; TOPMed 0.00001; ExAC 0.00002.
gnomAD v4.1: 14 of 1,605,790 alleles (0.00087%); highest among the groups gnomAD compares: Non-Finnish European, 0.0011%; no homozygotes.

Submissions (3):

Labcorp Genetics (formerly Invitae), Labcorp
Classification: Uncertain significance for Aortic aneurysm, familial thoracic 8. Last evaluated: 2025-10-11. Review status: criteria provided, single submitter. Criteria: Invitae Variant Classification Sherloc (09022015). Collection method: clinical testing. Allele origin: germline.
Comment: This sequence change replaces valine, which is neutral and non-polar, with alanine, which is neutral and non-polar, at codon 157 of the PRKG1 protein (p.Val157Ala). This variant is present in population databases (rs774143507, gnomAD 0.003%). This variant has not been reported in the literature in individuals affected with PRKG1-related conditions. ClinVar contains an entry for this variant (Variation ID: 580660). An algorithm developed to predict the effect of missense changes on protein structure and function (PolyPhen-2) suggests that this variant is likely to be disruptive. In summary, the available evidence is currently insufficient to determine the role of this variant in disease. Therefore, it has been classified as a Variant of Uncertain Significance.

GeneDx
Classification: Uncertain significance. Last evaluated: 2024-09-04. Review status: criteria provided, single submitter. Criteria: GeneDx Variant Classification Process June 2021. Collection method: clinical testing. Allele origin: germline. Affected: yes.
Comment: Has not been previously published as pathogenic or benign to our knowledge; Not observed at significant frequency in large population cohorts (gnomAD); In silico analysis supports that this missense variant has a deleterious effect on protein structure/function

Ambry Genetics
Classification: Uncertain significance for Familial thoracic aortic aneurysm and aortic dissection. Last evaluated: 2021-10-25. Review status: criteria provided, single submitter. Criteria: Ambry Variant Classification Scheme 2023. Collection method: clinical testing. Allele origin: germline.
Comment: The p.V157A variant (also known as c.470T>C), located in coding exon 2 of the PRKG1 gene, results from a T to C substitution at nucleotide position 470. The valine at codon 157 is replaced by alanine, an amino acid with similar properties. This amino acid position is conserved. In addition, this alteration is predicted to be deleterious by in silico analysis. Since supporting evidence is limited at this time, the clinical significance of this alteration remains unclear.

NM_006258.4(PRKG1):c.470T>C (p.Val157Ala)

Gene: PRKG1 (protein kinase cGMP-dependent 1; plus strand). Cytogenetic location: 10q21.1.
Variant type: single nucleotide variant.
Coding change: c.470T>C on transcript NM_006258.4 (MANE Select); coding-DNA position 470, T replaced by C.
Protein change: p.Val157Ala; replaces valine 157 with alanine.
Molecular consequence: missense variant.
Genome position (GRCh38, 1-based): chr10:51,153,322, T>C. VCF-style: chr10-51153322-T-C. GRCh37 (hg19) VCF-style: chr10-52913082-T-C.
Other names: c.470T>C, p.Val157Ala (LRG_1135t1); c.425T>C, p.Val142Ala (LRG_1135t2, NM_001098512.3); short protein forms V142A, V157A.
Identifiers: ClinVar variation 580660 (VCV000580660.9), dbSNP rs774143507, ClinGen allele CA5503130.